The following is an entry in ClinVar:

ClinVar aggregate classification (germline): Uncertain significance (1 of 4 stars; one submission).

Submission:

Women's Health and Genetics/Laboratory Corporation of America, LabCorp
Classification: Uncertain significance. Last evaluated: 2025-04-11. Review status: criteria provided, single submitter. Criteria: LabCorp Variant Classification Summary - May 2015. Collection method: clinical testing. Allele origin: germline.
Comment: Variant summary: COL11A2 c.1901G>A (p.Gly634Asp) results in a non-conservative amino acid change in the encoded protein sequence. Five of five in-silico tools predict a damaging effect of the variant on protein function. The variant was absent in 246408 control chromosomes. The available data on variant occurrences in the general population are insufficient to allow any conclusion about variant significance. To our knowledge, no occurrence of c.1901G>A in individuals affected with COL11A2-Related Disorders and no experimental evidence demonstrating its impact on protein function have been reported. No submitters have cited clinical-significance assessments for this variant to ClinVar. Based on the evidence outlined above, the variant was classified as uncertain significance.

NM_080680.3(COL11A2):c.1901G>A (p.Gly634Asp)

Gene: COL11A2 (collagen type XI alpha 2 chain; minus strand). Cytogenetic location: 6p21.32.
Variant type: single nucleotide variant.
Coding change: c.1901G>A on transcript NM_080680.3 (MANE Select); coding-DNA position 1901, G replaced by A.
Protein change: p.Gly634Asp; replaces glycine 634 with aspartic acid.
Molecular consequence: missense variant.
Genome position (GRCh38, 1-based): chr6:33,177,678, C>T on the plus strand (G>A on the coding strand, the complement: COL11A2 is on the minus strand). VCF-style: chr6-33177678-C-T. GRCh37 (hg19) VCF-style: chr6-33145455-C-T.
Other names: c.1721G>A, p.Gly574Asp (NM_001424108.1); c.1055G>A, p.Gly352Asp (NM_001424109.1); c.875G>A, p.Gly292Asp (NM_001424110.1, NM_001424111.1); c.1580G>A, p.Gly527Asp (NM_080679.3); c.1643G>A, p.Gly548Asp (NM_080681.3); short protein forms G292D, G352D, G527D, G548D, G574D, G634D.
Identifiers: ClinVar variation 3896311 (VCV003896311.2).